The following is an entry in ClinVar:

NM_001128840.3(CACNA1D):c.4123G>T (p.Val1375Phe)

Gene: CACNA1D (calcium voltage-gated channel subunit alpha1 D; plus strand). Cytogenetic location: 3p21.1.
Variant type: single nucleotide variant.
Coding change: c.4123G>T on transcript NM_001128840.3 (MANE Select); coding-DNA position 4123, G replaced by T.
Protein change: p.Val1375Phe; replaces valine 1375 with phenylalanine.
Molecular consequence: missense variant.
Genome position (GRCh38, 1-based): chr3:53,774,599, G>T. VCF-style: chr3-53774599-G-T. GRCh37 (hg19) VCF-style: chr3-53808626-G-T.
Other names: c.4183G>T, p.Val1395Phe (NM_000720.4); c.4078G>T, p.Val1360Phe (NM_001128839.3); short protein forms V1360F, V1375F, V1395F.
Identifiers: ClinVar variation 1391535 (VCV001391535.8), dbSNP rs2109026431, ClinGen allele CA353241143.
Genomic context (GRCh38, chr3:53,774,599, plus strand): 5'-TTGCATGACGAAATCTATTCTCTTTTTCCTGACAACTTCTCCACCTAGATGTTTGGGAAA[G>T]TTGCCATGAGAGATAACAACCAGATCAATAGGAACAATAACTTCCAGACGTTTCCCCAGG-3'
Protein context (NP_001122312.1, residues 1365-1385): AVIGMQMFGK[Val1375Phe]AMRDNNQINR

ClinVar aggregate classification (germline): Uncertain significance (1 of 4 stars; one submission).

Submission:

Labcorp Genetics (formerly Invitae), Labcorp
Classification: Uncertain significance. Last evaluated: 2025-07-29. Review status: criteria provided, single submitter. Criteria: Invitae Variant Classification Sherloc (09022015). Collection method: clinical testing. Allele origin: germline.
Comment: This sequence change replaces valine, which is neutral and non-polar, with phenylalanine, which is neutral and non-polar, at codon 1395 of the CACNA1D protein (p.Val1395Phe). This variant is not present in population databases (gnomAD no frequency). This variant has not been reported in the literature in individuals affected with CACNA1D-related conditions. ClinVar contains an entry for this variant (Variation ID: 1391535). Invitae Evidence Modeling of protein sequence and biophysical properties (such as structural, functional, and spatial information, amino acid conservation, physicochemical variation, residue mobility, and thermodynamic stability) indicates that this missense variant is not expected to disrupt CACNA1D protein function with a negative predictive value of 80%. In summary, the available evidence is currently insufficient to determine the role of this variant in disease. Therefore, it has been classified as a Variant of Uncertain Significance.